The following is an entry in ClinVar:

NM_001113378.2(FANCI):c.3532A>G (p.Arg1178Gly)

Gene: FANCI (FA complementation group I; plus strand). Cytogenetic location: 15q26.1.
Variant type: single nucleotide variant.
Coding change: c.3532A>G on transcript NM_001113378.2 (MANE Select); coding-DNA position 3532, A replaced by G.
Protein change: p.Arg1178Gly; replaces arginine 1178 with glycine.
Molecular consequence: missense variant.
Genome position (GRCh38, 1-based): chr15:89,306,189, A>G. VCF-style: chr15-89306189-A-G. GRCh37 (hg19) VCF-style: chr15-89849420-A-G.
Other names: c.3253A>G, p.Arg1085Gly (NM_001376910.1); c.3532A>G, p.Arg1178Gly (NM_001376911.1); c.3352A>G, p.Arg1118Gly (NM_018193.3); short protein forms R1178G, R1085G, R1118G.
Identifiers: ClinVar variation 2073426 (VCV002073426.2), dbSNP rs745566860, ClinGen allele CA7723740.

ClinVar aggregate classification (germline): Uncertain significance. Review status: criteria provided, multiple submitters, no conflicts (2 of 4 stars). 2 submissions from 2 submitters: Uncertain significance (2). Last evaluated 2024-01-13.

Conditions:
Fanconi anemia (FA). Also called: Fanconi's anemia. Identifiers: Orphanet 84, MedGen C0015625, MeSH D005199, MONDO:0019391.
Fanconi anemia complementation group I (FANCI). Also called: FANCI-Related Fanconi Anemia. Identifiers: Orphanet 84, MedGen C1836861, MONDO:0012186, OMIM 609053.

Allele frequency attached by ClinVar (database versions not stated): gnomAD 0.00001; gnomAD exomes 0.00002; ExAC 0.00004.
gnomAD v4.1: 28 of 1,614,032 alleles (0.0017%); highest among the groups gnomAD compares: South Asian, 0.03%; no homozygotes.

Submissions (2):

Fulgent Genetics
Classification: Uncertain significance for Fanconi anemia complementation group I. Last evaluated: 2024-01-13. Review status: criteria provided, single submitter. Criteria: ACMG Guidelines, 2015. Collection method: clinical testing. Allele origin: germline.

Labcorp Genetics (formerly Invitae), Labcorp
Classification: Uncertain significance for Fanconi anemia. Last evaluated: 2022-03-25. Review status: criteria provided, single submitter. Criteria: Invitae Variant Classification Sherloc (09022015). Collection method: clinical testing. Allele origin: germline.
Comment: This sequence change replaces arginine, which is basic and polar, with glycine, which is neutral and non-polar, at codon 1178 of the FANCI protein (p.Arg1178Gly). This variant is present in population databases (rs745566860, gnomAD 0.04%). This variant has not been reported in the literature in individuals affected with FANCI-related conditions. Algorithms developed to predict the effect of missense changes on protein structure and function are either unavailable or do not agree on the potential impact of this missense change (SIFT: "Deleterious"; PolyPhen-2: "Benign"; Align-GVGD: "Class C0"). In summary, the available evidence is currently insufficient to determine the role of this variant in disease. Therefore, it has been classified as a Variant of Uncertain Significance.